The following is an entry in ClinVar:

NM_004995.4(MMP14):c.826C>T (p.Arg276Cys)

Gene: MMP14 (matrix metallopeptidase 14; plus strand). Cytogenetic location: 14q11.2.
Variant type: single nucleotide variant.
Coding change: c.826C>T on transcript NM_004995.4 (MANE Select); coding-DNA position 826, C replaced by T.
Protein change: p.Arg276Cys; replaces arginine 276 with cysteine.
Molecular consequence: missense variant.
Genome position (GRCh38, 1-based): chr14:22,843,394, C>T. VCF-style: chr14-22843394-C-T. GRCh37 (hg19) VCF-style: chr14-23312603-C-T.
Other names: short protein forms R276C.
Identifiers: ClinVar variation 1377531 (VCV001377531.8), dbSNP rs145239346, ClinGen allele CA7105254.

ClinVar aggregate classification (germline): Uncertain significance (1 of 4 stars; one submission).

Allele frequency attached by ClinVar (database versions not stated): ESP Exome Variant Server 0.00008; gnomAD 0.00011; ExAC 0.00012; gnomAD exomes 0.00012 and 0.00013; TOPMed 0.00012.
gnomAD v4.1: 209 of 1,613,680 alleles (0.013%); highest among the groups gnomAD compares: Non-Finnish European, 0.016%; no homozygotes.

Submission:

Labcorp Genetics (formerly Invitae), Labcorp
Classification: Uncertain significance. Last evaluated: 2025-03-31. Review status: criteria provided, single submitter. Criteria: Invitae Variant Classification Sherloc (09022015). Collection method: clinical testing. Allele origin: germline.
Comment: This sequence change replaces arginine, which is basic and polar, with cysteine, which is neutral and slightly polar, at codon 276 of the MMP14 protein (p.Arg276Cys). This variant is present in population databases (rs145239346, gnomAD 0.02%). This variant has not been reported in the literature in individuals affected with MMP14-related conditions. ClinVar contains an entry for this variant (Variation ID: 1377531). Invitae Evidence Modeling of protein sequence and biophysical properties (such as structural, functional, and spatial information, amino acid conservation, physicochemical variation, residue mobility, and thermodynamic stability) indicates that this missense variant is expected to disrupt MMP14 protein function with a positive predictive value of 80%. In summary, the available evidence is currently insufficient to determine the role of this variant in disease. Therefore, it has been classified as a Variant of Uncertain Significance.